The following is an entry in ClinVar:

NM_001330311.2(DVL1):c.1324_1331dup (p.Val445fs)

Gene: DVL1 (dishevelled segment polarity protein 1; minus strand). Cytogenetic location: 1p36.33.
Variant type: Duplication.
Coding change: c.1324_1331dup on transcript NM_001330311.2 (MANE Select); coding-DNA positions 1324 to 1331, 8 bases duplicated (GCCAATGC; older notation c.1324_1331dupGCCAATGC).
Protein change: p.Val445fs; shifts the reading frame from valine 445.
Molecular consequence: frameshift variant.
Genome position (GRCh38, 1-based): chr1:1,338,530-1,338,537, GCATTGGC duplicated on the plus strand (GCCAATGC on the coding strand, the reverse complement: DVL1 is on the minus strand); duplicating any 8 consecutive bases within chr1:1,338,530-1,338,538 gives the same sequence; the c. name uses the placement nearest the transcript's 3' end. VCF-style (leftmost placement, unchanged base first): chr1-1338529-G-GGCATTGGC. GRCh37 (hg19) VCF-style: chr1-1273909-G-GGCATTGGC.
Other names: c.1249_1256dup, p.Val420fs (NM_004421.3); short protein forms V420fs, V445fs.
Identifiers: ClinVar variation 373812 (VCV000373812.1), dbSNP rs1057518627, ClinGen allele CA16042290.

ClinVar aggregate classification (germline): Likely pathogenic (1 of 4 stars; one submission).

Submission:

GeneDx
Classification: Likely pathogenic. Last evaluated: 2016-12-08. Review status: criteria provided, single submitter. Criteria: GeneDx Variant Classification (06012015). Collection method: clinical testing. Allele origin: germline. Affected: yes.
Comment: The c.1249_1256dupGCCAATGC variant in the DVL1 gene has not been reported previously as a pathogenic variant nor as a benign variant, to our knowledge. The c.1249_1256dupGCCAATGC variant causes a frameshift starting with codon Valine 420, changes this amino acid to a Proline residue, and creates a premature Stop codon at position 34 of the new reading frame, denoted p.Val420ProfsX34. This variant is predicted to cause loss of normal protein function either through protein truncation or nonsense-mediated mRNA decay. The c.1249_1256dupGCCAATGC variant was not observed in approximately 6,500 individuals of European and African American ancestry in the NHLBI Exome Sequencing Project, indicating it is not a common benign variant in these populations. We interpret c.1249_1256dupGCCAATGC as a likely pathogenic variant.